The following is an entry in ClinVar:

NM_004946.3(DOCK2):c.4909C>G (p.Leu1637Val)

Gene: DOCK2 (dedicator of cytokinesis 2; plus strand). Cytogenetic location: 5q35.1.
Variant type: single nucleotide variant.
Coding change: c.4909C>G on transcript NM_004946.3 (MANE Select); coding-DNA position 4909, C replaced by G.
Protein change: p.Leu1637Val; replaces leucine 1637 with valine.
Molecular consequence: missense variant. On other transcripts: non-coding transcript variant (1).
Genome position (GRCh38, 1-based): chr5:170,077,752, C>G. VCF-style: chr5-170077752-C-G. GRCh37 (hg19) VCF-style: chr5-169504756-C-G.
Other names: c.4909C>G (NM_004946.2); short protein forms L1637V.
Identifiers: ClinVar variation 2140153 (VCV002140153.2), dbSNP rs1321460382, ClinGen allele CA362115614.
Genomic context (GRCh38, chr5:170,077,752, plus strand): 5'-CCTGTTCTCCCACCACAGCCTGACTTTGACGACAGGAGAGTGGGCCGTCCCAGGTCTATG[C>G]TGCGCTCATACAGACAGATGTCCATCATCTCTCTGGCTTCCATGAATTCTGACTGCAGCA-3'
Protein context (NP_004937.1, residues 1627-1647): DRRVGRPRSM[Leu1637Val]RSYRQMSIIS

ClinVar aggregate classification (germline): Uncertain significance. Review status: criteria provided, multiple submitters, no conflicts (2 of 4 stars). 2 submissions from 2 submitters: Uncertain significance (2). Last evaluated 2024-11-27.

Conditions:
Inborn genetic diseases. Identifiers: MedGen C0950123, MeSH D030342.
DOCK2 deficiency. Also called: Immunodeficiency 40. Identifiers: Orphanet 447737, MedGen C4225328, MONDO:0014637, OMIM 616433.

Allele frequency attached by ClinVar (database versions not stated): gnomAD 0.00001; gnomAD exomes 0.00002.
gnomAD v4.1: 24 of 1,613,838 alleles (0.0015%); highest among the groups gnomAD compares: African/African-American, 0.0027%; no homozygotes.

Submissions (2):

Ambry Genetics
Classification: Uncertain significance for Inborn genetic diseases. Last evaluated: 2024-11-27. Review status: criteria provided, single submitter. Criteria: Ambry Variant Classification Scheme 2023. Collection method: clinical testing. Allele origin: germline.

Labcorp Genetics (formerly Invitae), Labcorp
Classification: Uncertain significance for DOCK2 deficiency. Last evaluated: 2022-06-03. Review status: criteria provided, single submitter. Criteria: Invitae Variant Classification Sherloc (09022015). Collection method: clinical testing. Allele origin: germline.
Comment: This sequence change replaces leucine, which is neutral and non-polar, with valine, which is neutral and non-polar, at codon 1637 of the DOCK2 protein (p.Leu1637Val). This variant is not present in population databases (gnomAD no frequency). This variant has not been reported in the literature in individuals affected with DOCK2-related conditions. Algorithms developed to predict the effect of missense changes on protein structure and function are either unavailable or do not agree on the potential impact of this missense change (SIFT: "Deleterious"; PolyPhen-2: "Benign"; Align-GVGD: "Class C0"). Algorithms developed to predict the effect of sequence changes on RNA splicing suggest that this variant may create or strengthen a splice site. In summary, the available evidence is currently insufficient to determine the role of this variant in disease. Therefore, it has been classified as a Variant of Uncertain Significance.